The following is an entry in ClinVar:

NM_000268.4(NF2):c.15del (p.Ile5fs)

Gene: NF2 (NF2, moesin-ezrin-radixin like (MERLIN) tumor suppressor; plus strand). Cytogenetic location: 22q12.2.
Variant type: Deletion.
Coding change: c.15del on transcript NM_000268.4 (MANE Select); coding-DNA position 15, one base deleted (C; older notation c.15delC).
Protein change: p.Ile5fs; shifts the reading frame from isoleucine 5.
Molecular consequence: frameshift variant. On other transcripts: 5 prime UTR variant (4), non-coding transcript variant (1).
Genome position (GRCh38, 1-based): chr22:29,604,013, C deleted. VCF-style (leftmost placement, unchanged base first): chr22-29604012-TC-T. GRCh37 (hg19) VCF-style: chr22-30000001-TC-T.
Other names: c.-216del (NM_001407053.1, NM_001407056.1); c.15del, p.Ile5fs (NM_001407054.1, NM_001407055.1, NM_001407057.1 and 15 more transcripts); c.-626del (NM_001407065.1); c.-242del (NM_001407067.1); short protein forms I5fs.
Identifiers: ClinVar variation 3723938 (VCV003723938.2).

ClinVar aggregate classification (germline): Pathogenic (1 of 4 stars; one submission).

Conditions:
Neurofibromatosis, type 2 (SWNV). Also called: BILATERAL ACOUSTIC NEUROFIBROMATOSIS; NF2-Related Schwannomatosis; SCHWANNOMATOSIS, VESTIBULAR. Identifiers: Orphanet 637, MedGen C0027832, MONDO:0007039, OMIM 101000. Disease mechanism: loss of function.

Submission:

Labcorp Genetics (formerly Invitae), Labcorp
Classification: Pathogenic for Neurofibromatosis, type 2. Last evaluated: 2024-04-13. Review status: criteria provided, single submitter. Criteria: Invitae Variant Classification Sherloc (09022015). Collection method: clinical testing. Allele origin: germline.
Comment: This sequence change creates a premature translational stop signal (p.Ile5Metfs*5) in the NF2 gene. It is expected to result in an absent or disrupted protein product. Loss-of-function variants in NF2 are known to be pathogenic (PMID: 9643284, 16983642). This variant is not present in population databases (gnomAD no frequency). This premature translational stop signal has been observed in individual(s) with clinical features of NF2-related conditions (PMID: 15684865). For these reasons, this variant has been classified as Pathogenic.

Literature cited by the submitters: PubMed 9643284; PubMed 16983642; PubMed 15684865.